The following is an entry in ClinVar:

NM_181552.4(CUX1):c.2498G>T (p.Arg833Ile)

Gene: CUX1 (cut like homeobox 1; plus strand). Cytogenetic location: 7q22.1.
Variant type: single nucleotide variant.
Coding change: c.2498G>T on transcript NM_181552.4 (MANE Select); coding-DNA position 2498, G replaced by T.
Protein change: p.Arg833Ile; replaces arginine 833 with isoleucine.
Molecular consequence: missense variant. On other transcripts: intron variant (5).
Genome position (GRCh38, 1-based): chr7:102,201,795, G>T. VCF-style: chr7-102201795-G-T. GRCh37 (hg19) VCF-style: chr7-101845075-G-T.
Other names: c.2531G>T, p.Arg844Ile (NM_001202543.2); c.1255+6192G>T (NM_001913.5); c.1249+6192G>T (NM_181500.4); c.1117+6192G>T (NM_001202545.3); c.1207+6192G>T (NM_001202544.3); c.1138+6192G>T (NM_001202546.3); short protein forms R833I, R844I.
Identifiers: ClinVar variation 2507347 (VCV002507347.1), dbSNP rs1276198953, ClinGen allele CA368682403.

ClinVar aggregate classification (germline): Uncertain significance (1 of 4 stars; one submission).

Allele frequency attached by ClinVar (database versions not stated): TOPMed below 0.00001; gnomAD 0.00001.
gnomAD v4.1: 1 of 1,612,760 alleles (0.000062%); highest among the groups gnomAD compares: African/African-American, 0.0013%; no homozygotes.

Submission:

GeneDx
Classification: Uncertain significance. Last evaluated: 2022-12-30. Review status: criteria provided, single submitter. Criteria: GeneDx Variant Classification Process June 2021. Collection method: clinical testing. Allele origin: germline. Affected: yes.
Comment: Not observed at significant frequency in large population cohorts (gnomAD); In silico analysis supports that this missense variant does not alter protein structure/function; Has not been previously published as pathogenic or benign to our knowledge